The following is an entry in ClinVar:

NM_005654.6(NR2F1):c.1205_1206del (p.Leu402fs)

Gene: NR2F1 (nuclear receptor subfamily 2 group F member 1; plus strand). Cytogenetic location: 5q15.
Variant type: Microsatellite.
Coding change: c.1205_1206del on transcript NM_005654.6 (MANE Select); coding-DNA positions 1205 to 1206, 2 bases deleted (TC; older notation c.1205_1206delTC).
Protein change: p.Leu402fs; shifts the reading frame from leucine 402.
Molecular consequence: frameshift variant.
Genome position (GRCh38, 1-based): chr5:93,593,775-93,593,776, TC deleted; deleting any 2 consecutive bases within chr5:93,593,772-93,593,776 gives the same sequence; the c. name uses the placement nearest the transcript's 3' end. VCF-style (leftmost placement, unchanged base first): chr5-93593771-ACT-A. GRCh37 (hg19) VCF-style: chr5-92929477-ACT-A.
Other names: c.755_756del, p.Leu252fs (NM_001410754.1); c.1205_1206del (NM_005654.4); short protein forms L252fs, L402fs.
Identifiers: ClinVar variation 2626893 (VCV002626893.2), dbSNP rs2480818013, ClinGen allele CA2582341593.

ClinVar aggregate classification (germline): Likely pathogenic. Review status: criteria provided, multiple submitters, no conflicts (2 of 4 stars). 2 submissions from 2 submitters: Likely pathogenic (2). Last evaluated 2025-05-07.

Conditions:
Bosch-Boonstra-Schaaf optic atrophy syndrome (BBSOAS). Also called: NR2F1-Related Neurodevelopmental Disorder. Identifiers: Orphanet 401777, MedGen C3810363, MONDO:0014320, OMIM 615722.

Submissions (2):

GeneDx
Classification: Likely pathogenic. Last evaluated: 2025-05-07. Review status: criteria provided, single submitter. Criteria: GeneDx Variant Classification Process June 2021. Collection method: clinical testing. Allele origin: germline. Affected: yes.
Comment: Frameshift variant predicted to result in abnormal protein length as the last 22 amino acids are replaced with 33 different amino acids; Has not been previously published as pathogenic or benign to our knowledge; Not observed at significant frequency in large population cohorts (gnomAD)

Greenwood Genetic Center Diagnostic Laboratories, Greenwood Genetic Center
Classification: Likely pathogenic for Bosch-Boonstra-Schaaf optic atrophy syndrome. Last evaluated: 2023-08-18. Review status: criteria provided, single submitter. Criteria: ACMG Guidelines, 2015. Collection method: clinical testing. Allele origin: germline. Affected: yes.
Comment: PS2, PM2